The following is an entry in ClinVar:

NM_001260.3(CDK8):c.831A>G (p.Ser277=)

Gene: CDK8 (cyclin dependent kinase 8; plus strand). Cytogenetic location: 13q12.13.
Variant type: single nucleotide variant.
Coding change: c.831A>G on transcript NM_001260.3 (MANE Select); coding-DNA position 831, A replaced by G.
Protein change: p.Ser277=; no amino-acid change (serine 277 retained).
Molecular consequence: synonymous variant.
Genome position (GRCh38, 1-based): chr13:26,396,325, A>G. VCF-style: chr13-26396325-A-G. GRCh37 (hg19) VCF-style: chr13-26970462-A-G.
Other names: c.831A>G, p.Ser277= (NM_001318368.2); c.312A>G, p.Ser104= (NM_001346501.2).
Identifiers: ClinVar variation 2643704 (VCV002643704.24), dbSNP rs2542444259, ClinGen allele CA483130694.

ClinVar aggregate classification (germline): Likely benign (1 of 4 stars; one submission).

Submission:

CeGaT Center for Human Genetics Tuebingen
Classification: Likely benign. Last evaluated: 2022-11-01. Review status: criteria provided, single submitter. Criteria: CeGaT Center For Human Genetics Tuebingen Variant Classification Criteria Version 2. Collection method: clinical testing. Allele origin: germline. Affected: yes. Observed: 1 variant allele.
Comment: CDK8: PM2:Supporting, BP4, BP7